The following is an entry in ClinVar:

ClinVar aggregate classification (germline): Conflicting classifications of pathogenicity. Review status: criteria provided, conflicting classifications (1 of 4 stars). 12 submissions from 12 submitters: Uncertain significance (1); Benign (2); Likely benign (8). 1 of the submissions does not count toward it. Last evaluated 2026-03-30.

Conditions:
PKP2-related disorder. Also called: PKP2-related condition.
Cardiovascular phenotype. Identifiers: MedGen CN230736.
Arrhythmogenic right ventricular cardiomyopathy (ARVD). Also called: Arrhythmogenic right ventricular dysplasia; Cardiomyopathy, ARVC; Arrhythmogenic cardiomyopathy; Arrhythmogenic Right Ventricular Cardiomyopathy (ARVC). Identifiers: Orphanet 247, MedGen C0349788, MeSH D019571, MONDO:0016587. Disease mechanism: loss of function. Inheritance: Various modes of inheritance.
Cardiomyopathy (CMYO). Also called: Cardiomyopathies. Identifiers: Orphanet 167848, MedGen C0878544, MONDO:0004994, HP:0001638. Inheritance: Various modes of inheritance.
Arrhythmogenic right ventricular dysplasia 9 (ARVD9). Also called: Arrhythmogenic Right Ventricular Dysplasia/Cardiomyopathy 9; ARRHYTHMOGENIC RIGHT VENTRICULAR DYSPLASIA, FAMILIAL, 9. Identifiers: MedGen C1836906, MONDO:0012180, OMIM 609040.

Allele frequency attached by ClinVar (database versions not stated): gnomAD exomes 0.00010 and 0.00018; ExAC 0.00025; ESP Exome Variant Server 0.00062; gnomAD 0.00066 and 0.00070; 1000 Genomes Project 30x 0.00094; TOPMed 0.00097; 1000 Genomes Project 0.00100.
gnomAD v4.1: 220 of 1,337,562 alleles (0.016%); highest among the groups gnomAD compares: African/African-American, 0.25%; no homozygotes.

Submissions (12):

Women's Health and Genetics/Laboratory Corporation of America, LabCorp
Classification: Likely benign. Last evaluated: 2026-03-30. Review status: criteria provided, single submitter. Criteria: LabCorp Variant Classification Summary - May 2015. Collection method: clinical testing. Allele origin: germline.
Comment: Variant summary: PKP2 c.1420G>A (p.Ala474Thr) results in a non-conservative amino acid change in the encoded protein sequence. Algorithms developed to predict the effect of missense changes on protein structure and function are either unavailable or do not agree on the potential impact of this missense change. The variant allele was found at a frequency of 0.00018 in 244150 control chromosomes, predominantly at a frequency of 0.0024 within the African or African-American subpopulation in the gnomAD database. The observed variant frequency within African or African-American control individuals in the gnomAD database exceeds the estimated maximal expected allele frequency for disease-causing variants in PKP2. c.1420G>A has been observed in individual(s) affected with Arrhythmia (Pugh_2014, Burstein_2020). These report(s) do not provide unequivocal conclusions about association of the variant with dilated cardiomyopathy. To our knowledge, no experimental evidence demonstrating an impact on protein function has been reported. The following publications have been ascertained in the context of this evaluation (PMID: 24503780, 32746448, 38218330). ClinVar contains an entry for this variant (Variation ID: 45024). Based on the evidence outlined above, the variant was classified as likely benign.

CeGaT Center for Human Genetics Tuebingen
Classification: Likely benign. Last evaluated: 2026-02-01. Review status: criteria provided, single submitter. Criteria: CeGaT Center For Human Genetics Tuebingen Variant Classification Criteria Version 2. Collection method: clinical testing. Allele origin: germline. Affected: yes. Observed: 5 variant alleles.
Comment: PKP2: BP4, BS1

Labcorp Genetics (formerly Invitae), Labcorp
Classification: Likely benign for Arrhythmogenic right ventricular dysplasia 9. Last evaluated: 2026-02-01. Review status: criteria provided, single submitter. Criteria: Invitae Variant Classification Sherloc (09022015). Collection method: clinical testing. Allele origin: germline.

Molecular Diagnostic Laboratory for Inherited Cardiovascular Disease, Montreal Heart Institute
Classification: Likely benign. Last evaluated: 2025-04-09. Review status: criteria provided, single submitter. Criteria: ACMG Guidelines, 2015. Collection method: clinical testing. Allele origin: germline. Affected: no.

Mayo Clinic Laboratories, Mayo Clinic
Classification: Benign. Last evaluated: 2024-12-31. Review status: criteria provided, single submitter. Criteria: ACMG Guidelines, 2015. Collection method: clinical testing. Allele origin: germline. Observed: 2 variant alleles.
Comment: BS1, BP4_strong

Blueprint Genetics
Classification: Likely benign. Last evaluated: 2024-09-13. Review status: criteria provided, single submitter. Criteria: ACMG Guidelines, 2015. Collection method: clinical testing. Allele origin: germline.

All of Us Research Program, National Institutes of Health
Classification: Likely benign for Arrhythmogenic right ventricular cardiomyopathy. Last evaluated: 2024-02-05. Review status: criteria provided, single submitter. Criteria: ACMG Guidelines, 2015. Collection method: clinical testing. Allele origin: germline. Inheritance: Autosomal dominant inheritance. Observed: 50 variant alleles, 50 heterozygotes.
Comment: This study involves interpretation of variants in research participants for the purpose of population health screening. Participant phenotype was not available at the time of variant classification. Additional details can be found in publication PMID: 35346344, PMCID: PMC8962531

CHEO Genetics Diagnostic Laboratory, Children's Hospital of Eastern Ontario
Classification: Benign for Cardiomyopathy. Last evaluated: 2021-11-30. Review status: criteria provided, single submitter. Criteria: ACMG Guidelines, 2015. Collection method: clinical testing. Allele origin: germline. Study: Canadian Open Genetics Repository.

Color Diagnostics, LLC DBA Color Health
Classification: Likely benign for Cardiomyopathy. Last evaluated: 2019-01-04. Review status: criteria provided, single submitter. Criteria: ACMG Guidelines, 2015. Collection method: clinical testing. Allele origin: germline.

Ambry Genetics
Classification: Likely benign for Cardiovascular phenotype. Last evaluated: 2018-02-05. Review status: criteria provided, single submitter. Criteria: Ambry Variant Classification Scheme 2023. Collection method: clinical testing. Allele origin: germline.

Laboratory for Molecular Medicine, Mass General Brigham Personalized Medicine
Classification: Uncertain significance. Last evaluated: 2012-07-17. Review status: criteria provided, single submitter. Criteria: LMM Criteria. Collection method: clinical testing. Allele origin: germline. Observed: 1 variant allele.
Comment: Variant classified as Uncertain Significance - Favor Benign. The Ala474Thr varia nt in PKP2 has been identified in 7/3738 African American chromosomes from a bro ad population by the NHLBI Exome Sequencing Project (u/EVS/; dbSNP rs138538072). Computational analyses (biochemical amino acid prope rties, conservation, AlignGVGD, and PolyPhen2) suggest that the Ala474Thr varian t may not impact the protein, though this information is not predictive enough t o rule out pathogenicity. This data supports that the Ala474Thr variant may be b enign but is insufficient to rule out a role in disease. Additional studies are needed to fully assess its clinical significance.

PreventionGenetics, part of Exact Sciences
Classification: Likely benign for PKP2-related condition. Last evaluated: 2022-02-12. Review status: no assertion criteria provided. Collection method: clinical testing. Allele origin: germline. Not counted in ClinVar's aggregate classification.
Comment: This variant is classified as likely benign based on ACMG/AMP sequence variant interpretation guidelines (Richards et al. 2015 PMID: 25741868, with internal and published modifications).

Literature cited by the submitters: PubMed 24503780 (cited by Women's Health and Genetics/Laboratory Corporation of America, LabCorp and Ambry Genetics); PubMed 32746448 (cited by Women's Health and Genetics/Laboratory Corporation of America, LabCorp); PubMed 38218330 (cited by Women's Health and Genetics/Laboratory Corporation of America, LabCorp); PubMed 23861362 (cited by Ambry Genetics); PubMed 25351510 (cited by Ambry Genetics).

NM_001005242.3(PKP2):c.1379-2067G>A

Gene: PKP2 (plakophilin 2; minus strand). Cytogenetic location: 12p11.21.
Variant type: single nucleotide variant.
Coding change: c.1379-2067G>A on transcript NM_001005242.3 (MANE Select); 2067 bases into the intron before coding-DNA position 1379, G replaced by A.
Molecular consequence: intron variant. On other transcripts: missense variant (1).
Genome position (GRCh38, 1-based): chr12:32,843,272, C>T on the plus strand (G>A on the coding strand, the complement: PKP2 is on the minus strand). VCF-style: chr12-32843272-C-T. GRCh37 (hg19) VCF-style: chr12-32996206-C-T.
Other names: c.1420G>A, p.Ala474Thr (NM_004572.4); short protein forms A474T.
Identifiers: ClinVar variation 45024 (VCV000045024.51), dbSNP rs138538072, ClinGen allele CA010619.